The following is an entry in ClinVar:

NM_013275.6(ANKRD11):c.6577G>C (p.Asp2193His)

Gene: ANKRD11 (ankyrin repeat domain containing 11; minus strand). Cytogenetic location: 16q24.3.
Variant type: single nucleotide variant.
Coding change: c.6577G>C on transcript NM_013275.6 (MANE Select); coding-DNA position 6577, G replaced by C.
Protein change: p.Asp2193His; replaces aspartic acid 2193 with histidine.
Molecular consequence: missense variant.
Genome position (GRCh38, 1-based): chr16:89,279,965, C>G on the plus strand (G>C on the coding strand, the complement: ANKRD11 is on the minus strand). VCF-style: chr16-89279965-C-G. GRCh37 (hg19) VCF-style: chr16-89346373-C-G.
Other names: c.6577G>C, p.Asp2193His (NM_001256182.2, NM_001256183.2); short protein forms D2193H.
Identifiers: ClinVar variation 1699666 (VCV001699666.2), dbSNP rs2151735277, ClinGen allele CA397150516.

ClinVar aggregate classification (germline): Uncertain significance (1 of 4 stars; one submission).

Submission:

GeneDx
Classification: Uncertain significance. Last evaluated: 2022-01-28. Review status: criteria provided, single submitter. Criteria: GeneDx Variant Classification Process June 2021. Collection method: clinical testing. Allele origin: germline. Affected: yes.
Comment: Not observed at significant frequency in large population cohorts (gnomAD); In silico analysis supports that this missense variant does not alter protein structure/function; Has not been previously published as pathogenic or benign to our knowledge